The following is an entry in ClinVar:

ClinVar aggregate classification (germline): Uncertain significance. Review status: criteria provided, multiple submitters, no conflicts (2 of 4 stars). 3 submissions from 3 submitters: Uncertain significance (2). 1 of the submissions does not count toward it. Last evaluated 2024-10-21.

Conditions:
Abetalipoproteinaemia (ABL). Also called: MTP DEFICIENCY; Abetalipoproteinemia; Abetalipoproteinemia neuropathy; Apolipoprotein B deficiency; Congenital betalipoprotein deficiency syndrome. Identifiers: Orphanet 14, MedGen C0000744, MONDO:0008692, OMIM 200100, HP:0008181.

Allele frequency attached by ClinVar (database versions not stated): gnomAD exomes below 0.00001 and 0.00001; TOPMed below 0.00001; ExAC 0.00001; gnomAD 0.00001.
gnomAD v4.1: 7 of 1,613,662 alleles (0.00043%); highest among the groups gnomAD compares: Admixed American, 0.005%; no homozygotes.

Submissions (3):

Blueprint Genetics
Classification: Uncertain significance. Last evaluated: 2024-10-21. Review status: criteria provided, single submitter. Criteria: ACMG Guidelines, 2015. Collection method: clinical testing. Allele origin: germline.

Labcorp Genetics (formerly Invitae), Labcorp
Classification: Uncertain significance. Last evaluated: 2022-10-17. Review status: criteria provided, single submitter. Criteria: Invitae Variant Classification Sherloc (09022015). Collection method: clinical testing. Allele origin: germline.
Comment: This sequence change replaces lysine, which is basic and polar, with glutamic acid, which is acidic and polar, at codon 522 of the MTTP protein (p.Lys522Glu). This variant is present in population databases (rs780688378, gnomAD 0.006%). This variant has not been reported in the literature in individuals affected with MTTP-related conditions. ClinVar contains an entry for this variant (Variation ID: 861153). Advanced modeling of protein sequence and biophysical properties (such as structural, functional, and spatial information, amino acid conservation, physicochemical variation, residue mobility, and thermodynamic stability) performed at Invitae indicates that this missense variant is not expected to disrupt MTTP protein function. In summary, the available evidence is currently insufficient to determine the role of this variant in disease. Therefore, it has been classified as a Variant of Uncertain Significance.

Natera, Inc.
Classification: Uncertain significance for Abetalipoproteinemia. Last evaluated: 2021-02-28. Review status: no assertion criteria provided. Collection method: clinical testing. Allele origin: germline. Not counted in ClinVar's aggregate classification.

NM_001386140.1(MTTP):c.1564A>G (p.Lys522Glu)

Gene: MTTP (microsomal triglyceride transfer protein; plus strand). Cytogenetic location: 4q23.
Variant type: single nucleotide variant.
Coding change: c.1564A>G on transcript NM_001386140.1 (MANE Select); coding-DNA position 1564, A replaced by G.
Protein change: p.Lys522Glu; replaces lysine 522 with glutamic acid.
Molecular consequence: missense variant.
Genome position (GRCh38, 1-based): chr4:99,608,772, A>G. VCF-style: chr4-99608772-A-G. GRCh37 (hg19) VCF-style: chr4-100529929-A-G.
Other names: c.1564A>G, p.Lys522Glu (NM_000253.4); c.1315A>G, p.Lys439Glu (NM_001300785.2); short protein forms K522E, K439E.
Identifiers: ClinVar variation 861153 (VCV000861153.6), dbSNP rs780688378, ClinGen allele CA3022138.